The following is an entry in ClinVar:

NM_001127644.2(GABRA1):c.216C>G (p.Ile72Met)

Gene: GABRA1 (gamma-aminobutyric acid type A receptor subunit alpha1; plus strand). Cytogenetic location: 5q34.
Variant type: single nucleotide variant.
Coding change: c.216C>G on transcript NM_001127644.2 (MANE Select); coding-DNA position 216, C replaced by G.
Protein change: p.Ile72Met; replaces isoleucine 72 with methionine.
Molecular consequence: missense variant.
Genome position (GRCh38, 1-based): chr5:161,865,749, C>G. VCF-style: chr5-161865749-C-G. GRCh37 (hg19) VCF-style: chr5-161292755-C-G.
Other names: c.216C>G, p.Ile72Met (NM_001127645.2, NM_001127648.2, NM_000806.5 and 1 more transcripts); short protein forms I72M.
Identifiers: ClinVar variation 2946934 (VCV002946934.4), dbSNP rs200716712, ClinGen allele CA362178549.

ClinVar aggregate classification (germline): Uncertain significance. Review status: criteria provided, multiple submitters, no conflicts (2 of 4 stars). 2 submissions from 2 submitters: Uncertain significance (2). Last evaluated 2025-06-11.

Conditions:
Idiopathic generalized epilepsy. Also called: EIG; Generalised epilepsy. Identifiers: MedGen C0270850, MONDO:0005579, OMIM 600669.
Epilepsy, idiopathic generalized, susceptibility to, 13. Also called: EPILEPSY, JUVENILE MYOCLONIC, SUSCEPTIBILITY TO, 5. Identifiers: Orphanet 307, Orphanet 64280, MedGen C4013473, MONDO:0012627, OMIM 611136.
Epilepsy, childhood absence 4 (ECA4). Also called: EPILEPSY, CHILDHOOD ABSENCE, SUSCEPTIBILITY TO, 4. Identifiers: Orphanet 307, MedGen C1970160.

Submissions (2):

GeneDx
Classification: Uncertain significance. Last evaluated: 2025-06-11. Review status: criteria provided, single submitter. Criteria: GeneDx Variant Classification Process June 2021. Collection method: clinical testing. Allele origin: germline. Affected: yes.
Comment: Not observed at significant frequency in large population cohorts (gnomAD); In silico analysis suggests that this missense variant does not alter protein structure/function; Has not been previously published as pathogenic or benign to our knowledge

Labcorp Genetics (formerly Invitae), Labcorp
Classification: Uncertain significance for Epilepsy, childhood absence 4; Epilepsy, idiopathic generalized, susceptibility to, 13; Idiopathic generalized epilepsy. Last evaluated: 2024-01-02. Review status: criteria provided, single submitter. Criteria: Invitae Variant Classification Sherloc (09022015). Collection method: clinical testing. Allele origin: germline.
Comment: This sequence change replaces isoleucine, which is neutral and non-polar, with methionine, which is neutral and non-polar, at codon 72 of the GABRA1 protein (p.Ile72Met). This variant is not present in population databases (gnomAD no frequency). This variant has not been reported in the literature in individuals affected with GABRA1-related conditions. Advanced modeling of protein sequence and biophysical properties (such as structural, functional, and spatial information, amino acid conservation, physicochemical variation, residue mobility, and thermodynamic stability) has been performed at Invitae for this missense variant, however the output from this modeling did not meet the statistical confidence thresholds required to predict the impact of this variant on GABRA1 protein function. In summary, the available evidence is currently insufficient to determine the role of this variant in disease. Therefore, it has been classified as a Variant of Uncertain Significance.